The following is an entry in ClinVar:

ClinVar aggregate classification (germline): Conflicting classifications of pathogenicity. Review status: criteria provided, conflicting classifications (1 of 4 stars). 4 submissions from 4 submitters: Uncertain significance (1); Likely benign (3). Last evaluated 2025-08-18.

Conditions:
ZNF469-related disorder. Also called: ZNF469-related condition.
Cardiovascular phenotype. Identifiers: MedGen CN230736.

Allele frequency attached by ClinVar (database versions not stated): gnomAD 0.00003; ExAC 0.00006.
gnomAD v4.1: 43 of 1,550,118 alleles (0.0028%); highest among the groups gnomAD compares: Admixed American, 0.082%; no homozygotes.

Submissions (4):

Mayo Clinic Laboratories, Mayo Clinic
Classification: Likely benign. Last evaluated: 2025-08-18. Review status: criteria provided, single submitter. Criteria: ACMG Guidelines, 2015. Collection method: clinical testing. Allele origin: germline. Observed: 1 variant allele.
Comment: BS1, BP4_moderate

Ambry Genetics
Classification: Likely benign for Cardiovascular phenotype. Last evaluated: 2025-05-16. Review status: criteria provided, single submitter. Criteria: Ambry Variant Classification Scheme 2023. Collection method: clinical testing. Allele origin: germline.

PreventionGenetics, part of Exact Sciences
Classification: Likely benign for ZNF469-related condition. Last evaluated: 2025-02-12. Review status: criteria provided, single submitter. Criteria: ACMG Guidelines, 2015. Collection method: clinical testing. Allele origin: germline.
Comment: This variant is classified as likely benign based on ACMG/AMP sequence variant interpretation guidelines (Richards et al. 2015 PMID: 25741868, with internal and published modifications).

Labcorp Genetics (formerly Invitae), Labcorp
Classification: Uncertain significance. Last evaluated: 2022-07-11. Review status: criteria provided, single submitter. Criteria: Invitae Variant Classification Sherloc (09022015). Collection method: clinical testing. Allele origin: germline.
Comment: This sequence change replaces aspartic acid, which is acidic and polar, with glutamic acid, which is acidic and polar, at codon 1290 of the ZNF469 protein (p.Asp1290Glu). This variant is present in population databases (rs760206158, gnomAD 0.2%). This variant has not been reported in the literature in individuals affected with ZNF469-related conditions. Algorithms developed to predict the effect of missense changes on protein structure and function output the following: SIFT: "Tolerated"; PolyPhen-2: "Benign"; Align-GVGD: "Class C0". The glutamic acid amino acid residue is found in multiple mammalian species, which suggests that this missense change does not adversely affect protein function. In summary, the available evidence is currently insufficient to determine the role of this variant in disease. Therefore, it has been classified as a Variant of Uncertain Significance.

NM_001367624.2(ZNF469):c.3954C>A (p.Asp1318Glu)

Gene: ZNF469 (zinc finger protein 469; plus strand). Cytogenetic location: 16q24.2.
Variant type: single nucleotide variant.
Coding change: c.3954C>A on transcript NM_001367624.2 (MANE Select); coding-DNA position 3954, C replaced by A.
Protein change: p.Asp1318Glu; replaces aspartic acid 1318 with glutamic acid.
Molecular consequence: missense variant.
Genome position (GRCh38, 1-based): chr16:88,431,424, C>A. VCF-style: chr16-88431424-C-A. GRCh37 (hg19) VCF-style: chr16-88497832-C-A.
Other names: NM_001127464.1:c.3870C>A; p.Asp1318Glu; NM_001127464.2:c.3870C>A; short protein forms D1318E.
Identifiers: ClinVar variation 1735703 (VCV001735703.7), dbSNP rs760206158, ClinGen allele CA8224905.
Genomic context (GRCh38, chr16:88,431,424, plus strand): 5'-GGGCAGCCTGCTGGGTGGTCCTGGGGGCACACAGGCCCCAGTCTCCCACAACAGCAAGGA[C>A]CCCCCTGCCCGCCAGCCTGGAGAATTTCTGGCACCCGTGGCTAACCCCTCAAGTACCGCC-3'
Protein context (NP_001354553.1, residues 1308-1328): TQAPVSHNSK[Asp1318Glu]PPARQPGEFL